The following is an entry in ClinVar:

NM_001025389.2(AMPD3):c.*1070A>G

Gene: AMPD3 (adenosine monophosphate deaminase 3; plus strand). Cytogenetic location: 11p15.4.
Variant type: single nucleotide variant.
Coding change: c.*1070A>G on transcript NM_001025389.2 (MANE Select); 1070 bases downstream of the stop codon, A replaced by G.
Molecular consequence: 3 prime UTR variant.
Genome position (GRCh38, 1-based): chr11:10,506,954, A>G. VCF-style: chr11-10506954-A-G. GRCh37 (hg19) VCF-style: chr11-10528501-A-G.
Other names: c.*1070A>G (NM_000480.3, NM_001025390.2, NM_001172430.1 and 1 more transcripts).
Identifiers: ClinVar variation 302185 (VCV000302185.6), dbSNP rs7416, ClinGen allele CA10637449.

ClinVar aggregate classification (germline): Benign. Review status: criteria provided, multiple submitters, no conflicts (2 of 4 stars). 2 submissions from 2 submitters: Benign (2). Last evaluated 2018-01-12.

Conditions:
Erythrocyte AMP deaminase deficiency. Identifiers: Orphanet 45, MedGen C2752073, OMIM 612874, MONDO:0020734.

Allele frequency attached by ClinVar (database versions not stated): gnomAD 0.15810 and 0.15479; 1000 Genomes Project 0.07208; gnomAD exomes 0.25347; TOPMed 0.14309; 1000 Genomes Project 30x 0.07214.
gnomAD v4.1: 23,618 of 152,358 alleles (16%); highest among the groups gnomAD compares: Middle Eastern, 24%; 2,454 homozygotes.

Submissions (2):

Illumina Laboratory Services, Illumina
Classification: Benign for Erythrocyte AMP deaminase deficiency. Last evaluated: 2018-01-12. Review status: criteria provided, single submitter. Criteria: ICSL Variant Classification Criteria 13 December 2019. Collection method: clinical testing. Allele origin: germline.
Comment: This variant was observed in the ICSL laboratory as part of a predisposition screen in an ostensibly healthy population. It had not been previously curated by ICSL or reported in the Human Gene Mutation Database (HGMD: prior to June 1st, 2018), and was therefore a candidate for classification through an automated scoring system. Utilizing variant allele frequency, disease prevalence and penetrance estimates, and inheritance mode, an automated score was calculated to assess if this variant is too frequent to cause the disease. Based on the score and internal cut-off values, a variant classified as benign is not then subjected to further curation. The score for this variant resulted in a classification of benign for this disease.

Breakthrough Genomics
Classification: Benign. Review status: criteria provided, single submitter. Criteria: ACMG Guidelines, 2015. Collection method: not provided. Allele origin: germline. Inheritance: Autosomal recessive inheritance. Affected: yes.